The following is an entry in ClinVar:

ClinVar aggregate classification (germline): Uncertain significance (1 of 4 stars; one submission).

Submission:

GeneDx
Classification: Uncertain significance. Last evaluated: 2025-07-09. Review status: criteria provided, single submitter. Criteria: GeneDx Variant Classification Process June 2021. Collection method: clinical testing. Allele origin: germline. Affected: yes.
Comment: Not observed at significant frequency in large population cohorts (gnomAD); Frameshift variant predicted to result in protein truncation or nonsense mediated decay in a gene or region of a gene for which loss of function is not a well-established mechanism of disease; Has not been previously published as pathogenic or benign to our knowledge

NM_001080421.3(UNC13A):c.3826_3830del (p.Lys1276fs)

Gene: UNC13A (unc-13 homolog A; minus strand). Cytogenetic location: 19p13.11.
Variant type: Deletion.
Coding change: c.3826_3830del on transcript NM_001080421.3 (MANE Select); coding-DNA positions 3826 to 3830, 5 bases deleted (AAGGA; older notation c.3826_3830delAAGGA).
Protein change: p.Lys1276fs; shifts the reading frame from lysine 1276.
Molecular consequence: frameshift variant.
Genome position (GRCh38, 1-based): chr19:17,627,864-17,627,868, TCCTT deleted on the plus strand (AAGGA on the coding strand, the reverse complement: UNC13A is on the minus strand); deleting any 5 consecutive bases within chr19:17,627,864-17,627,872 gives the same sequence; the c. name uses the placement nearest the transcript's 3' end. VCF-style (leftmost placement, unchanged base first): chr19-17627863-CTCCTT-C. GRCh37 (hg19) VCF-style: chr19-17738672-CTCCTT-C.
Other names: c.3820_3824del, p.Lys1274fs (NM_001387021.1, NM_001387023.1); c.3817_3821del, p.Lys1273fs (NM_001387022.1); short protein forms K1273fs, K1274fs, K1276fs.
Identifiers: ClinVar variation 4685009 (VCV004685009.1).
Genomic context (GRCh38, chr19:17,627,863, plus strand): 5'-AGGGACACAGTGGTGGGGGTGCCCCATCCCTTCTCCAGCCCTGCCTCGGCCCTGCCTCAC[CTCCTT>C]TCCTCCCATGGCTTCGAACATCTTCTCCAGCTGAACTCGTAGCTGTTGAGTGTTATTCAT-3'